The following is an entry in ClinVar:

ClinVar aggregate classification (germline): Uncertain significance (1 of 4 stars; one submission).

Allele frequency attached by ClinVar (database versions not stated): ExAC 0.00002; gnomAD exomes 0.00002; TOPMed 0.00003; gnomAD 0.00002.
gnomAD v4.1: 35 of 1,613,858 alleles (0.0022%); highest among the groups gnomAD compares: African/African-American, 0.004%; no homozygotes.

Submission:

GeneDx
Classification: Uncertain significance. Last evaluated: 2022-02-16. Review status: criteria provided, single submitter. Criteria: GeneDx Variant Classification Process June 2021. Collection method: clinical testing. Allele origin: germline. Affected: yes.
Comment: Not observed at significant frequency in large population cohorts (gnomAD); In silico analysis supports that this missense variant has a deleterious effect on protein structure/function; Has not been previously published as pathogenic or benign to our knowledge

NM_016013.4(NDUFAF1):c.731G>A (p.Arg244His)

Gene: NDUFAF1 (NADH:ubiquinone oxidoreductase complex assembly factor 1; minus strand). Cytogenetic location: 15q15.1.
Variant type: single nucleotide variant.
Coding change: c.731G>A on transcript NM_016013.4 (MANE Select); coding-DNA position 731, G replaced by A.
Protein change: p.Arg244His; replaces arginine 244 with histidine.
Molecular consequence: missense variant. On other transcripts: non-coding transcript variant (1).
Genome position (GRCh38, 1-based): chr15:41,394,887, C>T on the plus strand (G>A on the coding strand, the complement: NDUFAF1 is on the minus strand). VCF-style: chr15-41394887-C-T. GRCh37 (hg19) VCF-style: chr15-41687085-C-T.
Other names: short protein forms R244H.
Identifiers: ClinVar variation 1702778 (VCV001702778.2), dbSNP rs780883829, ClinGen allele CA7491270.